The following is an entry in ClinVar:

NM_006946.4(SPTBN2):c.3236C>T (p.Ala1079Val)

Gene: SPTBN2 (spectrin beta, non-erythrocytic 2; minus strand). Cytogenetic location: 11q13.2.
Variant type: single nucleotide variant.
Coding change: c.3236C>T on transcript NM_006946.4 (MANE Select); coding-DNA position 3236, C replaced by T.
Protein change: p.Ala1079Val; replaces alanine 1079 with valine.
Molecular consequence: missense variant.
Genome position (GRCh38, 1-based): chr11:66,700,863, G>A on the plus strand (C>T on the coding strand, the complement: SPTBN2 is on the minus strand). VCF-style: chr11-66700863-G-A. GRCh37 (hg19) VCF-style: chr11-66468334-G-A.
Other names: short protein forms A1079V.
Identifiers: ClinVar variation 931767 (VCV000931767.3), dbSNP rs763021473, ClinGen allele CA6128903.

ClinVar aggregate classification (germline): Uncertain significance (1 of 4 stars; one submission).

Conditions:
Spinocerebellar ataxia type 5 (SCA5). Identifiers: Orphanet 98766, MedGen C0752123, MONDO:0010848, OMIM 600224.

Allele frequency attached by ClinVar (database versions not stated): gnomAD exomes below 0.00001; ExAC 0.00001.
gnomAD v4.1: 1 of 1,600,126 alleles (0.000062%); highest among the groups gnomAD compares: East Asian, 0.0022%; no homozygotes.

Submission:

Centre for Mendelian Genomics, University Medical Centre Ljubljana
Classification: Uncertain significance for Spinocerebellar ataxia type 5. Last evaluated: 2018-11-07. Review status: criteria provided, single submitter. Criteria: ACMG Guidelines, 2015. Collection method: clinical testing. Allele origin: unknown. Affected: yes.
Comment: This variant was classified as: Uncertain significance. The available evidence on this variant's pathogenicity is insufficient or conflicting. The following ACMG criteria were applied in classifying this variant: PP3.